The following is an entry in ClinVar:

NM_002907.4(RECQL):c.1661A>G (p.Tyr554Cys)

Gene: RECQL (RecQ like helicase; minus strand). Cytogenetic location: 12p12.1.
Variant type: single nucleotide variant.
Coding change: c.1661A>G on transcript NM_002907.4 (MANE Select); coding-DNA position 1661, A replaced by G.
Protein change: p.Tyr554Cys; replaces tyrosine 554 with cysteine.
Molecular consequence: missense variant.
Genome position (GRCh38, 1-based): chr12:21,471,434, T>C on the plus strand (A>G on the coding strand, the complement: RECQL is on the minus strand). VCF-style: chr12-21471434-T-C. GRCh37 (hg19) VCF-style: chr12-21624368-T-C.
Other names: c.1661A>G, p.Tyr554Cys (NM_032941.3); short protein forms Y554C.
Identifiers: ClinVar variation 1108289 (VCV001108289.12), dbSNP rs544884266, ClinGen allele CA6478697.
Genomic context (GRCh38, chr12:21,471,434, plus strand): 5'-TAAAAAAAAACCATAAAGACAACCTGAAAGAATAATGAATGAGTTTGTACATACTTAAGA[T>C]ACTGCTGTATTAGAAAGTGTGCAATAATCTTCTCCAGATCTTCACGAGGAAGTGTGGGAG-3'
Protein context (NP_002898.2, residues 544-564): KIIAHFLIQQ[Tyr554Cys]LKEDYSFTAY

ClinVar aggregate classification (germline): Conflicting classifications of pathogenicity. Review status: criteria provided, conflicting classifications (1 of 4 stars). 3 submissions from 3 submitters: Uncertain significance (1); Likely benign (2). Last evaluated 2025-04-08.

Allele frequency attached by ClinVar (database versions not stated): gnomAD 0.00001 and 0.00008; TOPMed 0.00001; 1000 Genomes Project 30x 0.00016; gnomAD exomes 0.00016 and 0.00029; 1000 Genomes Project 0.00020; ExAC 0.00030.
gnomAD v4.1: 237 of 1,611,414 alleles (0.015%); highest among the groups gnomAD compares: South Asian, 0.25%; 7 homozygotes.

Submissions (3):

Labcorp Genetics (formerly Invitae), Labcorp
Classification: Likely benign. Last evaluated: 2025-04-08. Review status: criteria provided, single submitter. Criteria: Invitae Variant Classification Sherloc (09022015). Collection method: clinical testing. Allele origin: germline.

GeneDx
Classification: Uncertain significance. Last evaluated: 2023-10-26. Review status: criteria provided, single submitter. Criteria: GeneDx Variant Classification Process June 2021. Collection method: clinical testing. Allele origin: germline. Affected: yes.
Comment: In silico analysis supports that this missense variant has a deleterious effect on protein structure/function; Has not been previously published as pathogenic or benign to our knowledge; Variants in candidate genes are classified as variants of uncertain significance in accordance with ACMG guidelines (PMID: 25741868); This variant is associated with the following publications: (PMID: 23396353, 27248010, 19151156)

Ambry Genetics
Classification: Likely benign. Last evaluated: 2020-09-13. Review status: criteria provided, single submitter. Criteria: Ambry Variant Classification Scheme 2023. Collection method: clinical testing. Allele origin: germline.